The following is an entry in ClinVar:

NM_017777.4(MKS1):c.1600C>T (p.Arg534Ter)

Gene: MKS1 (MKS transition zone complex subunit 1; minus strand). Cytogenetic location: 17q22.
Variant type: single nucleotide variant.
Coding change: c.1600C>T on transcript NM_017777.4 (MANE Select); coding-DNA position 1600, C replaced by T.
Protein change: p.Arg534Ter; replaces arginine 534 with a stop codon.
Molecular consequence: nonsense. On other transcripts: missense variant (1), 3 prime UTR variant (1).
Genome position (GRCh38, 1-based): chr17:58,206,159, G>A on the plus strand (C>T on the coding strand, the complement: MKS1 is on the minus strand). VCF-style: chr17-58206159-G-A. GRCh37 (hg19) VCF-style: chr17-56283520-G-A.
Other names: c.991C>T, p.Arg331Ter (NM_001321268.2); c.1517C>T, p.Ser506Leu (NM_001321269.2); c.*12C>T (NM_001330397.2); short protein forms R534*, S506L, R331*.
Identifiers: ClinVar variation 554287 (VCV000554287.12), dbSNP rs772719574, ClinGen allele CA292007497.

ClinVar aggregate classification (germline): Conflicting classifications of pathogenicity. Review status: criteria provided, conflicting classifications (1 of 4 stars). 5 submissions from 5 submitters: Pathogenic (1); Likely pathogenic (1); Uncertain significance (1). 2 of the submissions do not count toward it. Last evaluated 2025-11-11.

Conditions:
Bardet-Biedl syndrome 13 (BBS13). Identifiers: Orphanet 110, MedGen C2673873, MONDO:0014441, OMIM 615990.
Meckel syndrome, type 1 (MKS1). Also called: MECKEL-GRUBER SYNDROME, TYPE 1. Identifiers: Orphanet 564, MedGen C3714506, MONDO:0009571, OMIM 249000.
Joubert syndrome 28 (JBTS28). Identifiers: MedGen C4310705, MONDO:0014928, OMIM 617121.
Meckel-Gruber syndrome. Also called: Dysencephalia splachnocystica; DYSENCEPHALIA SPLANCHNOCYSTICA; GRUBER SYNDROME. Identifiers: Orphanet 564, MedGen C0265215, MONDO:0018921.
Joubert syndrome. Also called: Familial aplasia of the vermis; CEREBELLOPARENCHYMAL DISORDER IV; JOUBERT-BOLTSHAUSER SYNDROME. Identifiers: Orphanet 475, MedGen C5979921, MONDO:0018772.

Allele frequency attached by ClinVar (database versions not stated): TOPMed 0.00002; gnomAD 0.00003.
gnomAD v4.1: 16 of 1,613,808 alleles (0.00099%); highest among the groups gnomAD compares: African/African-American, 0.004%; no homozygotes.

Submissions (5):

Labcorp Genetics (formerly Invitae), Labcorp
Classification: Pathogenic for Joubert syndrome; Meckel-Gruber syndrome. Last evaluated: 2025-11-11. Review status: criteria provided, single submitter. Criteria: Invitae Variant Classification Sherloc (09022015). Collection method: clinical testing. Allele origin: germline.
Comment: This sequence change creates a premature translational stop signal (p.Arg534*) in the MKS1 gene. While this is not anticipated to result in nonsense mediated decay, it is expected to disrupt the last 26 amino acid(s) of the MKS1 protein. This variant is present in population databases (no rsID available, gnomAD 0.003%). This premature translational stop signal has been observed in individual(s) with clinical features of Joubert syndrome (PMID: 34359301). In at least one individual the data is consistent with being in trans (on the opposite chromosome) from a pathogenic variant. ClinVar contains an entry for this variant (Variation ID: 554287). Algorithms developed to predict the effect of sequence changes on RNA splicing suggest that this variant may disrupt the consensus splice site. For these reasons, this variant has been classified as Pathogenic.

Women's Health and Genetics/Laboratory Corporation of America, LabCorp
Classification: Likely pathogenic for Meckel syndrome, type 1. Last evaluated: 2025-10-06. Review status: criteria provided, single submitter. Criteria: LabCorp Variant Classification Summary - May 2015. Collection method: clinical testing. Allele origin: germline.
Comment: Variant summary: MKS1 c.1600C>T (p.Arg534X) results in a premature termination codon, predicted to cause a truncation of the encoded protein or absence of the protein due to nonsense mediated decay, which are commonly known mechanisms for disease. The variant allele was found at a frequency of 4e-06 in 248694 control chromosomes. c.1600C>T has been observed in individual(s) affected with clinical features of Meckel Syndrome Type 1 (e.g. Brunetti-Pierri_2021, Hanany_2020, Karali_2022). To our knowledge, no experimental evidence demonstrating an impact on protein function has been reported. The following publications have been ascertained in the context of this evaluation (PMID: 34359301, 31964843, 36460718). ClinVar contains an entry for this variant (Variation ID: 554287). Based on the evidence outlined above, the variant was classified as likely pathogenic.

Fulgent Genetics
Classification: Uncertain significance for Meckel syndrome, type 1; Bardet-Biedl syndrome 13; Joubert syndrome 28. Last evaluated: 2022-03-21. Review status: criteria provided, single submitter. Criteria: ACMG Guidelines, 2015. Collection method: clinical testing. Allele origin: unknown.

Natera, Inc.
Classification: Uncertain significance for Meckel syndrome type 1. Last evaluated: 2021-02-25. Review status: no assertion criteria provided. Collection method: clinical testing. Allele origin: germline. Not counted in ClinVar's aggregate classification.

Counsyl
Classification: Uncertain significance for Meckel syndrome, type 1; Bardet-Biedl syndrome 13; Joubert syndrome 28. Last evaluated: 2017-10-13. Review status: no assertion criteria provided. Collection method: clinical testing. Allele origin: unknown. Not counted in ClinVar's aggregate classification.

Literature cited by the submitters: PubMed 34359301 (cited by Labcorp Genetics (formerly Invitae), Labcorp and Women's Health and Genetics/Laboratory Corporation of America, LabCorp); PubMed 31964843 (cited by Women's Health and Genetics/Laboratory Corporation of America, LabCorp); PubMed 36460718 (cited by Women's Health and Genetics/Laboratory Corporation of America, LabCorp).